The following is an entry in ClinVar:

NM_001372106.1(DNAH10):c.13478-431G>A

Genes: DNAH10 (dynein axonemal heavy chain 10; plus strand), DNAH10OS (dynein axonemal heavy chain 10 opposite strand; minus strand). Cytogenetic location: 12q24.31.
Variant type: single nucleotide variant.
Coding change: c.13478-431G>A on transcript NM_001372106.1 (MANE Select); 431 bases into the intron before coding-DNA position 13478, G replaced by A.
Molecular consequence: intron variant.
Genome position (GRCh38, 1-based): chr12:123,934,190, G>A. VCF-style: chr12-123934190-G-A. GRCh37 (hg19) VCF-style: chr12-124418737-G-A.
Other names: c.13124-431G>A (NM_207437.3).
Identifiers: ClinVar variation 4533732 (VCV004533732.6).

ClinVar aggregate classification (germline): Likely benign (1 of 4 stars; one submission).

gnomAD v4.1: 589 of 700,746 alleles (0.084%); highest among the groups gnomAD compares: African/African-American, 0.57%; 6 homozygotes.

Submission:

CeGaT Center for Human Genetics Tuebingen
Classification: Likely benign. Last evaluated: 2025-10-01. Review status: criteria provided, single submitter. Criteria: CeGaT Center For Human Genetics Tuebingen Variant Classification Criteria Version 2. Collection method: clinical testing. Allele origin: germline. Affected: yes. Observed: 1 variant allele.
Comment: DNAH10OS: BS2